The following is an entry in ClinVar:

ClinVar aggregate classification (germline): Uncertain significance. Review status: criteria provided, multiple submitters, no conflicts (2 of 4 stars). 3 submissions from 3 submitters: Uncertain significance (3). Last evaluated 2026-08-14.

Conditions:
CACNA1F-related disorder. Also called: CACNA1F-related condition.

Allele frequency attached by ClinVar (database versions not stated): gnomAD exomes 0.00002; gnomAD 0.00003; TOPMed 0.00003.
gnomAD v4.1: 23 of 1,205,859 alleles (0.0019%); highest among the groups gnomAD compares: Non-Finnish European, 0.0026%; no homozygotes.

Submissions (3):

PreventionGenetics, part of Exact Sciences
Classification: Uncertain significance for CACNA1F-related condition. Last evaluated: 2026-08-14. Review status: criteria provided, single submitter. Criteria: ACMG Guidelines, 2015. Collection method: clinical testing. Allele origin: germline.
Comment: The CACNA1F c.5137G>A variant is predicted to result in the amino acid substitution p.Ala1713Thr. To our knowledge, this variant has not been reported in the literature. This variant is reported in 0.0045% of alleles in individuals of European (Non-Finnish) descent in gnomAD, including 2 hemizygotes, which may be too frequent to be a primary cause of disease. Although we suspect that this variant may be benign, at this time, the clinical significance of this variant is uncertain due to the absence of conclusive functional and genetic evidence.

Labcorp Genetics (formerly Invitae), Labcorp
Classification: Uncertain significance. Last evaluated: 2025-06-22. Review status: criteria provided, single submitter. Criteria: Invitae Variant Classification Sherloc (09022015). Collection method: clinical testing. Allele origin: germline.
Comment: This sequence change replaces alanine, which is neutral and non-polar, with threonine, which is neutral and polar, at codon 1713 of the CACNA1F protein (p.Ala1713Thr). This variant is present in population databases (rs782384547, gnomAD 0.005%). This variant has not been reported in the literature in individuals affected with CACNA1F-related conditions. ClinVar contains an entry for this variant (Variation ID: 1057163). An algorithm developed to predict the effect of missense changes on protein structure and function outputs the following: PolyPhen-2: "Benign". The threonine amino acid residue is found in multiple mammalian species, which suggests that this missense change does not adversely affect protein function. In summary, the available evidence is currently insufficient to determine the role of this variant in disease. Therefore, it has been classified as a Variant of Uncertain Significance.

Blueprint Genetics
Classification: Uncertain significance. Last evaluated: 2022-01-13. Review status: criteria provided, single submitter. Criteria: ACMG Guidelines, 2015. Collection method: clinical testing. Allele origin: germline.

NM_001256789.3(CACNA1F):c.5104G>A (p.Ala1702Thr)

Gene: CACNA1F (calcium voltage-gated channel subunit alpha1 F; minus strand). Cytogenetic location: Xp11.23.
Variant type: single nucleotide variant.
Coding change: c.5104G>A on transcript NM_001256789.3 (MANE Select); coding-DNA position 5104, G replaced by A.
Protein change: p.Ala1702Thr; replaces alanine 1702 with threonine.
Molecular consequence: missense variant.
Genome position (GRCh38, 1-based): chrX:49,208,534, C>T on the plus strand (G>A on the coding strand, the complement: CACNA1F is on the minus strand). VCF-style: chrX-49208534-C-T. GRCh37 (hg19) VCF-style: chrX-49064994-C-T.
Other names: c.4942G>A, p.Ala1648Thr (NM_001256790.3); c.5137G>A, p.Ala1713Thr (NM_005183.4); c.5137G>A (NM_005183.3); short protein forms A1648T, A1702T, A1713T.
Identifiers: ClinVar variation 1057163 (VCV001057163.11), dbSNP rs782384547, ClinGen allele CA10410041.